The following is an entry in ClinVar:

NM_006949.4(STXBP2):c.1107+3G>A

Gene: STXBP2 (syntaxin binding protein 2; plus strand). Cytogenetic location: 19p13.2.
Variant type: single nucleotide variant.
Coding change: c.1107+3G>A on transcript NM_006949.4 (MANE Select); 3 bases into the intron after coding-DNA position 1107, G replaced by A.
Molecular consequence: intron variant.
Genome position (GRCh38, 1-based): chr19:7,643,248, G>A. VCF-style: chr19-7643248-G-A. GRCh37 (hg19) VCF-style: chr19-7708134-G-A.
Other names: c.1140+3G>A (NM_001272034.2); c.1098+3G>A (NM_001127396.3).
Identifiers: ClinVar variation 2088899 (VCV002088899.1), dbSNP rs1385752459, ClinGen allele CA631702346.
Genomic context (GRCh38, chr19:7,643,248, plus strand): 5'-AGATGATTGTATGAAGCACTTCAAGGGCTCGGTGGAGAAGCTGTGTAGTGTGGAGCAGGT[G>A]GGGCAGGGCTTGCGGGGGGCAGGGGTGATGGTCCTGCCAAGGCGGGGTATTGGGGAGGGG-3'

ClinVar aggregate classification (germline): Uncertain significance (1 of 4 stars; one submission).

Conditions:
Familial hemophagocytic lymphohistiocytosis 5. Also called: STXBP2-Related Familial Hemophagocytic Lymphohistiocytosis (STXBP2-fHLH). Identifiers: Orphanet 540, MedGen C2751293, MONDO:0013135, OMIM 613101.

Allele frequency attached by ClinVar (database versions not stated): gnomAD exomes below 0.00001.
gnomAD v4.1: 4 of 1,613,262 alleles (0.00025%); highest among the groups gnomAD compares: South Asian, 0.0022%; no homozygotes.

Submission:

Labcorp Genetics (formerly Invitae), Labcorp
Classification: Uncertain significance for Familial hemophagocytic lymphohistiocytosis 5. Last evaluated: 2022-08-09. Review status: criteria provided, single submitter. Criteria: Invitae Variant Classification Sherloc (09022015). Collection method: clinical testing. Allele origin: germline.
Comment: This sequence change falls in intron 13 of the STXBP2 gene. It does not directly change the encoded amino acid sequence of the STXBP2 protein. It affects a nucleotide within the consensus splice site. This variant is present in population databases (no rsID available, gnomAD 0.007%). This variant has not been reported in the literature in individuals affected with STXBP2-related conditions. Variants that disrupt the consensus splice site are a relatively common cause of aberrant splicing (PMID: 17576681, 9536098). Algorithms developed to predict the effect of sequence changes on RNA splicing suggest that this variant is not likely to affect RNA splicing. In summary, the available evidence is currently insufficient to determine the role of this variant in disease. Therefore, it has been classified as a Variant of Uncertain Significance.

Literature cited by the submitters: PubMed 17576681; PubMed 9536098.